The following is an entry in ClinVar:

ClinVar aggregate classification (germline): Uncertain significance (1 of 4 stars; one submission).

Conditions:
Familial cancer of breast. Also called: Hereditary breast cancer; hereditary breast carcinoma; BREAST CANCER, FAMILIAL. Identifiers: Orphanet 227535, MedGen C0346153, MONDO:0016419, OMIM 114480. Disease mechanism: loss of function.

gnomAD v4.1: 2 of 1,614,106 alleles (0.00012%); highest among the groups gnomAD compares: Non-Finnish European, 0.00017%; no homozygotes.

Submission:

Labcorp Genetics (formerly Invitae), Labcorp
Classification: Uncertain significance for Familial cancer of breast. Last evaluated: 2025-11-19. Review status: criteria provided, single submitter. Criteria: Invitae Variant Classification Sherloc (09022015). Collection method: clinical testing. Allele origin: germline.
Comment: This sequence change replaces glutamine, which is neutral and polar, with arginine, which is basic and polar, at codon 493 of the BARD1 protein (p.Gln493Arg). This variant is not present in population databases (gnomAD no frequency). This variant has not been reported in the literature in individuals affected with BARD1-related conditions. ClinVar contains an entry for this variant (Variation ID: 3676404). An algorithm developed to predict the effect of missense changes on protein structure and function (PolyPhen-2) suggests that this variant is likely to be disruptive. In summary, the available evidence is currently insufficient to determine the role of this variant in disease. Therefore, it has been classified as a Variant of Uncertain Significance.

NM_000465.4(BARD1):c.1478A>G (p.Gln493Arg)

Gene: BARD1 (BRCA1 associated RING domain 1; minus strand). Cytogenetic location: 2q35.
Variant type: single nucleotide variant.
Coding change: c.1478A>G on transcript NM_000465.4 (MANE Select); coding-DNA position 1478, A replaced by G.
Protein change: p.Gln493Arg; replaces glutamine 493 with arginine.
Molecular consequence: missense variant. On other transcripts: non-coding transcript variant (3), intron variant (3).
Genome position (GRCh38, 1-based): chr2:214,767,572, T>C on the plus strand (A>G on the coding strand, the complement: BARD1 is on the minus strand). VCF-style: chr2-214767572-T-C. GRCh37 (hg19) VCF-style: chr2-215632296-T-C.
Other names: c.1421A>G, p.Gln474Arg (NM_001282543.2); c.159-15017A>G (NM_001282548.2); c.216-15017A>G (NM_001282545.2); c.364+24725A>G (NM_001282549.2); short protein forms Q474R, Q493R.
Identifiers: ClinVar variation 3676404 (VCV003676404.2).